The following is an entry in ClinVar:

ClinVar aggregate classification (germline): Pathogenic (1 of 4 stars; one submission).

Conditions:
Primary ciliary dyskinesia 9. Also called: CILIARY DYSKINESIA, PRIMARY, 9, WITH OR WITHOUT SITUS INVERSUS. Identifiers: Orphanet 244, MedGen C2676235, MONDO:0012906, OMIM 612444.

Submission:

Myriad Genetics, Inc.
Classification: Pathogenic for Primary ciliary dyskinesia 9. Last evaluated: 2024-05-15. Review status: criteria provided, single submitter. Criteria: Myriad Autosomal Dominant, Autosomal Recessive and X-Linked Classification Criteria (2023). Collection method: clinical testing. Allele origin: unknown.
Comment: NM_023036.4(DNAI2):c.321delT(N108Tfs*35) is expected to be pathogenic in the context of primary ciliary dyskinesia, DNAI2-related. This variant is predicted to lead to an abnormal or absent protein product due to the creation of a premature termination codon in DNAI2, a gene where loss-of-function variants are known to be pathogenic. Please note: this variant was assessed in the context of healthy population screening.

NM_023036.6(DNAI2):c.321del (p.Asn108fs)

Gene: DNAI2 (dynein axonemal intermediate chain 2; plus strand). Cytogenetic location: 17q25.1.
Variant type: Deletion.
Coding change: c.321del on transcript NM_023036.6 (MANE Select); coding-DNA position 321, one base deleted (T; older notation c.321delT).
Protein change: p.Asn108fs; shifts the reading frame from asparagine 108.
Molecular consequence: frameshift variant. On other transcripts: non-coding transcript variant (1).
Genome position (GRCh38, 1-based): chr17:74,285,177, T deleted; the last of 2 consecutive T bases (chr17:74,285,176-74,285,177); deleting either gives the same sequence. VCF-style (leftmost placement, unchanged base first): chr17-74285175-GT-G. GRCh37 (hg19) VCF-style: chr17-72281314-GT-G.
Other names: c.321del, p.Asn108fs (NM_001172810.3, NM_001353167.2); short protein forms N108fs.
Identifiers: ClinVar variation 5013064 (VCV005013064.1).